The following is an entry in ClinVar:

ClinVar aggregate classification (germline): Uncertain significance (1 of 4 stars; one submission).

Conditions:
Ullrich congenital muscular dystrophy 2 (UCMD2). Identifiers: Orphanet 75840, MedGen C4225314, MONDO:0014654, OMIM 616470.
Bethlem myopathy 2 (BTHLM2). Identifiers: Orphanet 536516, Orphanet 610, MedGen C4225313, MONDO:0034022, OMIM 616471.

Submission:

Labcorp Genetics (formerly Invitae), Labcorp
Classification: Uncertain significance for Bethlem myopathy 2; Ullrich congenital muscular dystrophy 2. Last evaluated: 2023-06-22. Review status: criteria provided, single submitter. Criteria: Invitae Variant Classification Sherloc (09022015). Collection method: clinical testing. Allele origin: germline.
Comment: In summary, the available evidence is currently insufficient to determine the role of this variant in disease. Therefore, it has been classified as a Variant of Uncertain Significance. Advanced modeling of protein sequence and biophysical properties (such as structural, functional, and spatial information, amino acid conservation, physicochemical variation, residue mobility, and thermodynamic stability) has been performed at Invitae for this missense variant, however the output from this modeling did not meet the statistical confidence thresholds required to predict the impact of this variant on COL12A1 protein function. This variant has not been reported in the literature in individuals affected with COL12A1-related conditions. This variant is not present in population databases (gnomAD no frequency). This sequence change replaces threonine, which is neutral and polar, with asparagine, which is neutral and polar, at codon 79 of the COL12A1 protein (p.Thr79Asn).

NM_004370.6(COL12A1):c.236C>A (p.Thr79Asn)

Gene: COL12A1 (collagen type XII alpha 1 chain; minus strand). Cytogenetic location: 6q13.
Variant type: single nucleotide variant.
Coding change: c.236C>A on transcript NM_004370.6 (MANE Select); coding-DNA position 236, C replaced by A.
Protein change: p.Thr79Asn; replaces threonine 79 with asparagine.
Molecular consequence: missense variant. On other transcripts: intron variant (2).
Genome position (GRCh38, 1-based): chr6:75,192,310, G>T on the plus strand (C>A on the coding strand, the complement: COL12A1 is on the minus strand). VCF-style: chr6-75192310-G-T. GRCh37 (hg19) VCF-style: chr6-75902026-G-T.
Other names: c.236C>A, p.Thr79Asn (NM_001424113.1, NM_001424114.1, NM_001424115.1); c.73+10410C>A (NM_001424116.1, NM_080645.3); short protein forms T79N.
Identifiers: ClinVar variation 2940762 (VCV002940762.3), dbSNP rs2533617321, ClinGen allele CA364731110.